The following is an entry in ClinVar:

ClinVar aggregate classification (germline): Pathogenic (1 of 4 stars; one submission).

Submission:

Labcorp Genetics (formerly Invitae), Labcorp
Classification: Pathogenic. Last evaluated: 2024-01-27. Review status: criteria provided, single submitter. Criteria: Invitae Variant Classification Sherloc (09022015). Collection method: clinical testing. Allele origin: germline.
Comment: This sequence change creates a premature translational stop signal (p.Tyr1057*) in the MYO7A gene. It is expected to result in an absent or disrupted protein product. Loss-of-function variants in MYO7A are known to be pathogenic (PMID: 8900236, 25404053). This variant is not present in population databases (gnomAD no frequency). This premature translational stop signal has been observed in individual(s) with clinical features of Usher syndrome (PMID: 16963483). ClinVar contains an entry for this variant (Variation ID: 1455497). For these reasons, this variant has been classified as Pathogenic.

Literature cited by the submitters: PubMed 8900236; PubMed 25404053; PubMed 16963483.

NM_000260.4(MYO7A):c.3171C>G (p.Tyr1057Ter)

Gene: MYO7A (myosin VIIA; plus strand). Cytogenetic location: 11q13.5.
Variant type: single nucleotide variant.
Coding change: c.3171C>G on transcript NM_000260.4 (MANE Select); coding-DNA position 3171, C replaced by G.
Protein change: p.Tyr1057Ter; replaces tyrosine 1057 with a stop codon.
Molecular consequence: nonsense.
Genome position (GRCh38, 1-based): chr11:77,182,486, C>G. VCF-style: chr11-77182486-C-G. GRCh37 (hg19) VCF-style: chr11-76893531-C-G.
Other names: c.3171C>G, p.Tyr1057Ter (NM_001127180.2); c.3138C>G, p.Tyr1046Ter (NM_001369365.1); short protein forms Y1046*, Y1057*.
Identifiers: ClinVar variation 1455497 (VCV001455497.6), dbSNP rs868993459, ClinGen allele CA381944726.